The following is an entry in ClinVar:

NM_001366385.1(CARD14):c.570G>A (p.Glu190=)

Gene: CARD14 (caspase recruitment domain family member 14; plus strand). Cytogenetic location: 17q25.3.
Variant type: single nucleotide variant.
Coding change: c.570G>A on transcript NM_001366385.1 (MANE Select); coding-DNA position 570, G replaced by A.
Protein change: p.Glu190=; no amino-acid change (glutamic acid 190 retained).
Molecular consequence: synonymous variant. On other transcripts: non-coding transcript variant (1).
Genome position (GRCh38, 1-based): chr17:80,184,133, G>A. VCF-style: chr17-80184133-G-A. GRCh37 (hg19) VCF-style: chr17-78157932-G-A.
Other names: c.570G>A, p.Glu190= (NM_001257970.1, NM_024110.4).
Identifiers: ClinVar variation 1562156 (VCV001562156.25), dbSNP rs955758766, ClinGen allele CA294858292.

ClinVar aggregate classification (germline): Conflicting classifications of pathogenicity. Review status: criteria provided, conflicting classifications (1 of 4 stars). 3 submissions from 3 submitters: Uncertain significance (1); Likely benign (2). Last evaluated 2026-03-01.

Conditions:
Pityriasis rubra pilaris (PRP). Also called: Pityriasis rubra pilaris--familial type. Identifiers: Orphanet 2897, MedGen C0032027, MONDO:0100017, OMIM 173200, MONDO:0008251.
Psoriasis 2. Identifiers: MedGen C1864497, MONDO:0011269, OMIM 602723.
Autoinflammatory syndrome. Identifiers: Orphanet 93665, MedGen C3890737, MONDO:0019751.

Allele frequency attached by ClinVar (database versions not stated): gnomAD 0.00001; gnomAD exomes 0.00001; TOPMed 0.00004.
gnomAD v4.1: 37 of 1,570,240 alleles (0.0024%); highest among the groups gnomAD compares: East Asian, 0.066%; no homozygotes.

Submissions (3):

CeGaT Center for Human Genetics Tuebingen
Classification: Likely benign. Last evaluated: 2026-03-01. Review status: criteria provided, single submitter. Criteria: CeGaT Center For Human Genetics Tuebingen Variant Classification Criteria Version 2. Collection method: clinical testing. Allele origin: germline. Affected: yes. Observed: 2 variant alleles.
Comment: CARD14: BP4, BP7

Labcorp Genetics (formerly Invitae), Labcorp
Classification: Likely benign for Pityriasis rubra pilaris; Psoriasis 2. Last evaluated: 2025-10-17. Review status: criteria provided, single submitter. Criteria: Invitae Variant Classification Sherloc (09022015). Collection method: clinical testing. Allele origin: germline.

Genome Diagnostics Laboratory, The Hospital for Sick Children
Classification: Uncertain significance for Autoinflammatory syndrome. Last evaluated: 2020-02-01. Review status: criteria provided, single submitter. Criteria: ACMG Guidelines, 2015. Collection method: clinical testing. Allele origin: germline. Affected: yes.